The following is an entry in ClinVar:

NM_001195263.2(PDZD7):c.2827A>G (p.Met943Val)

Gene: PDZD7 (PDZ domain containing 7; minus strand). Cytogenetic location: 10q24.31.
Variant type: single nucleotide variant.
Coding change: c.2827A>G on transcript NM_001195263.2 (MANE Select); coding-DNA position 2827, A replaced by G.
Protein change: p.Met943Val; replaces methionine 943 with valine.
Molecular consequence: missense variant.
Genome position (GRCh38, 1-based): chr10:101,008,742, T>C on the plus strand (A>G on the coding strand, the complement: PDZD7 is on the minus strand). VCF-style: chr10-101008742-T-C. GRCh37 (hg19) VCF-style: chr10-102768499-T-C.
Other names: short protein forms M943V.
Identifiers: ClinVar variation 2108905 (VCV002108905.4), dbSNP rs1428008011, ClinGen allele CA378223267.

ClinVar aggregate classification (germline): Uncertain significance (1 of 4 stars; one submission).

gnomAD v4.1: 1 of 1,535,930 alleles (0.000065%); highest among the groups gnomAD compares: East Asian, 0.0024%; no homozygotes.

Submission:

Labcorp Genetics (formerly Invitae), Labcorp
Classification: Uncertain significance. Last evaluated: 2023-07-17. Review status: criteria provided, single submitter. Criteria: Invitae Variant Classification Sherloc (09022015). Collection method: clinical testing. Allele origin: germline.
Comment: In summary, the available evidence is currently insufficient to determine the role of this variant in disease. Therefore, it has been classified as a Variant of Uncertain Significance. This variant is not present in population databases (gnomAD no frequency). Experimental studies and prediction algorithms are not available or were not evaluated, and the functional significance of this variant is currently unknown. ClinVar contains an entry for this variant (Variation ID: 2108905). This variant has not been reported in the literature in individuals affected with PDZD7-related conditions. This sequence change replaces methionine, which is neutral and non-polar, with valine, which is neutral and non-polar, at codon 943 of the PDZD7 protein (p.Met943Val).